The following is an entry in ClinVar:

ClinVar aggregate classification (germline): Pathogenic (1 of 4 stars; one submission).

Conditions:
Primary open angle glaucoma (POAG). Also called: OPTN-related open angle glaucoma. Identifiers: MedGen C0339573, MONDO:0100553, OMIM 137760.
Glaucoma 1, open angle, E. Identifiers: MedGen C1842026, MONDO:0007665.
Amyotrophic lateral sclerosis type 12 (ALS12). Also called: AMYOTROPHIC LATERAL SCLEROSIS 12 WITH OR WITHOUT FRONTOTEMPORAL DEMENTIA. Identifiers: Orphanet 803, MedGen C3150692, MONDO:0013264, OMIM 613435.

Submission:

Labcorp Genetics (formerly Invitae), Labcorp
Classification: Pathogenic for Primary open angle glaucoma; Glaucoma 1, open angle, E; Amyotrophic lateral sclerosis type 12. Last evaluated: 2023-08-31. Review status: criteria provided, single submitter. Criteria: Invitae Variant Classification Sherloc (09022015). Collection method: clinical testing. Allele origin: unknown.
Comment: For these reasons, this variant has been classified as Pathogenic. This variant has not been reported in the literature in individuals affected with OPTN-related conditions. This variant is a gross deletion of the genomic region encompassing exon(s) 7 of the OPTN gene. This deletion is out-of-frame, and is expected to create a premature termination codon and result in an absent or disrupted protein product. Loss-of-function variants in OPTN are known to be pathogenic (PMID: 20428114).

Literature cited by the submitters: PubMed 20428114.

NC_000010.10:g.(?_13164365)_(13164507_?)del

Gene: OPTN (optineurin; plus strand). Cytogenetic location: 10p13.
Variant type: Deletion.
Identifiers: ClinVar variation 3244820 (VCV003244820.1).